The following is an entry in ClinVar:

NM_006662.3(SRCAP):c.8834C>T (p.Ala2945Val)

Gene: SRCAP (Snf2 related CREBBP activator protein; plus strand). Cytogenetic location: 16p11.2.
Variant type: single nucleotide variant.
Coding change: c.8834C>T on transcript NM_006662.3 (MANE Select); coding-DNA position 8834, C replaced by T.
Protein change: p.Ala2945Val; replaces alanine 2945 with valine.
Molecular consequence: missense variant.
Genome position (GRCh38, 1-based): chr16:30,738,874, C>T. VCF-style: chr16-30738874-C-T. GRCh37 (hg19) VCF-style: chr16-30750195-C-T.
Other names: c.8834C>T (NM_006662.2); short protein forms A2945V.
Identifiers: ClinVar variation 3611373 (VCV003611373.3).
Genomic context (GRCh38, chr16:30,738,874, plus strand): 5'-ACAGACCCAATCCCCTCCTGTCACCTGTGGAGAAAAGAAGGCGAGGACGACCCCCTAAAG[C>T]ACGAGATTTGCCCATCCCTGGGACCATTTCCTCTGCAGGGGATGGCAACTCCGAAAGTCG-3'
Protein context (NP_006653.2, residues 2935-2955): EKRRRGRPPK[Ala2945Val]RDLPIPGTIS

ClinVar aggregate classification (germline): Uncertain significance. Review status: criteria provided, multiple submitters, no conflicts (2 of 4 stars). 2 submissions from 2 submitters: Uncertain significance (2). Last evaluated 2025-08-24.

Conditions:
Inborn genetic diseases. Identifiers: MedGen C0950123, MeSH D030342.

gnomAD v4.1: 20 of 1,614,144 alleles (0.0012%); highest among the groups gnomAD compares: Non-Finnish European, 0.0017%; no homozygotes.

Submissions (2):

Ambry Genetics
Classification: Uncertain significance for Inborn genetic diseases. Last evaluated: 2025-08-24. Review status: criteria provided, single submitter. Criteria: Ambry Variant Classification Scheme 2023. Collection method: clinical testing. Allele origin: germline.

Labcorp Genetics (formerly Invitae), Labcorp
Classification: Uncertain significance. Last evaluated: 2024-10-30. Review status: criteria provided, single submitter. Criteria: Invitae Variant Classification Sherloc (09022015). Collection method: clinical testing. Allele origin: germline.
Comment: This sequence change replaces alanine, which is neutral and non-polar, with valine, which is neutral and non-polar, at codon 2945 of the SRCAP protein (p.Ala2945Val). This variant is present in population databases (rs571032702, gnomAD 0.0009%). This variant has not been reported in the literature in individuals affected with SRCAP-related conditions. Invitae Evidence Modeling of protein sequence and biophysical properties (such as structural, functional, and spatial information, amino acid conservation, physicochemical variation, residue mobility, and thermodynamic stability) indicates that this missense variant is not expected to disrupt SRCAP protein function with a negative predictive value of 80%. Algorithms developed to predict the effect of sequence changes on RNA splicing suggest that this variant may create or strengthen a splice site. In summary, the available evidence is currently insufficient to determine the role of this variant in disease. Therefore, it has been classified as a Variant of Uncertain Significance.